The following is an entry in ClinVar:

NM_001009944.3(PKD1):c.7132G>A (p.Val2378Met)

Gene: PKD1 (polycystin 1, transient receptor potential channel interacting; minus strand). Cytogenetic location: 16p13.3.
Variant type: single nucleotide variant.
Coding change: c.7132G>A on transcript NM_001009944.3 (MANE Select); coding-DNA position 7132, G replaced by A.
Protein change: p.Val2378Met; replaces valine 2378 with methionine.
Molecular consequence: missense variant.
Genome position (GRCh38, 1-based): chr16:2,106,882, C>T on the plus strand (G>A on the coding strand, the complement: PKD1 is on the minus strand). VCF-style: chr16-2106882-C-T. GRCh37 (hg19) VCF-style: chr16-2156883-C-T.
Other names: c.7132G>A, p.Val2378Met (NM_000296.4); short protein forms V2378M.
Identifiers: ClinVar variation 3350677 (VCV003350677.2).
Genomic context (GRCh38, chr16:2,106,882, plus strand): 5'-TGCTGCAATTGAGGCAGCGGCCCTCCAAGTACACGTAGGAGCTGCGGCTCACTTCGTACA[C>T]GGCCTGTGCCTTGCAGGACACACACTCCAAGGACACAATGGGCACCCGGCCACTCCGGAT-3'
Protein context (NP_001009944.3, residues 2368-2388): LECVSCKAQA[Val2378Met]YEVSRSSYVY

ClinVar aggregate classification (germline): Likely benign. Review status: criteria provided, single submitter (1 of 4 stars). 2 submissions from 2 submitters: Likely benign (1). 1 of the submissions does not count toward it. Last evaluated 2023-10-23.

Conditions:
PKD1-related disorder. Also called: PKD1-related condition.

gnomAD v4.1: 124 of 1,553,826 alleles (0.008%); highest among the groups gnomAD compares: South Asian, 0.075%; no homozygotes.

Submissions (2):

Blueprint Genetics
Classification: Likely benign. Last evaluated: 2023-10-23. Review status: criteria provided, single submitter. Criteria: ACMG Guidelines, 2015. Collection method: clinical testing. Allele origin: germline.

PreventionGenetics, part of Exact Sciences
Classification: Likely benign for PKD1-related condition. Last evaluated: 2024-08-24. Review status: no assertion criteria provided. Collection method: clinical testing. Allele origin: germline. Not counted in ClinVar's aggregate classification.
Comment: This variant is classified as likely benign based on ACMG/AMP sequence variant interpretation guidelines (Richards et al. 2015 PMID: 25741868, with internal and published modifications).